The following is an entry in ClinVar:

NM_181078.3(IL21R):c.962C>A (p.Pro321Gln)

Genes: IL21R (interleukin 21 receptor; plus strand), IL21R-AS1 (IL21R antisense RNA 1; minus strand). Cytogenetic location: 16p12.1.
Variant type: single nucleotide variant.
Coding change: c.962C>A on transcript NM_181078.3 (MANE Select); coding-DNA position 962, C replaced by A.
Protein change: p.Pro321Gln; replaces proline 321 with glutamine.
Molecular consequence: missense variant. On other transcripts: non-coding transcript variant (1).
Genome position (GRCh38, 1-based): chr16:27,448,628, C>A. VCF-style: chr16-27448628-C-A. GRCh37 (hg19) VCF-style: chr16-27459949-C-A.
Other names: c.962C>A, p.Pro321Gln (NM_021798.4); c.1028C>A, p.Pro343Gln (NM_181079.5); short protein forms P343Q, P321Q.
Identifiers: ClinVar variation 651217 (VCV000651217.7), dbSNP rs747607462, ClinGen allele CA7975121.

ClinVar aggregate classification (germline): Uncertain significance (1 of 4 stars; one submission).

Conditions:
Cryptosporidiosis-chronic cholangitis-liver disease syndrome. Also called: IL21R immunodeficiency; Immunodeficiency type 56. Identifiers: Orphanet 357329, MedGen C3554687, MONDO:0014082, OMIM 615207.

Allele frequency attached by ClinVar (database versions not stated): ExAC 0.00001; gnomAD exomes 0.00001 and 0.00002; TOPMed 0.00001.
gnomAD v4.1: 8 of 1,613,198 alleles (0.0005%); highest among the groups gnomAD compares: East Asian, 0.011%; no homozygotes.

Submission:

Labcorp Genetics (formerly Invitae), Labcorp
Classification: Uncertain significance for Cryptosporidiosis-chronic cholangitis-liver disease syndrome. Last evaluated: 2018-07-09. Review status: criteria provided, single submitter. Criteria: Invitae Variant Classification Sherloc (09022015). Collection method: clinical testing. Allele origin: germline.
Comment: In summary, the available evidence is currently insufficient to determine the role of this variant in disease. Therefore, it has been classified as a Variant of Uncertain Significance. Algorithms developed to predict the effect of missense changes on protein structure and function are either unavailable or do not agree on the potential impact of this missense change (SIFT: "Deleterious"; PolyPhen-2: "Benign"; Align-GVGD: "Class C0"). This variant has not been reported in the literature in individuals with IL21R-related disease. This variant is present in population databases (rs747607462, ExAC 0.01%). This sequence change replaces proline with glutamine at codon 321 of the IL21R protein (p.Pro321Gln). The proline residue is moderately conserved and there is a moderate physicochemical difference between proline and glutamine.